The following is an entry in ClinVar:

ClinVar aggregate classification (germline): Likely benign. Review status: criteria provided, multiple submitters, no conflicts (2 of 4 stars). 2 submissions from 2 submitters: Likely benign (2). Last evaluated 2024-02-19.

Conditions:
Hypertrophic cardiomyopathy. Also called: HYPERTROPHIC MYOCARDIOPATHY. Identifiers: Orphanet 217569, MedGen C0007194, MeSH D002312, MONDO:0005045, HP:0001639.

Allele frequency attached by ClinVar (database versions not stated): gnomAD 0.00001.
gnomAD v4.1: 1 of 1,599,584 alleles (0.000063%); highest among the groups gnomAD compares: Non-Finnish European, 0.000086%; no homozygotes.

Submissions (2):

Labcorp Genetics (formerly Invitae), Labcorp
Classification: Likely benign for Hypertrophic cardiomyopathy. Last evaluated: 2024-02-19. Review status: criteria provided, single submitter. Criteria: Invitae Variant Classification Sherloc (09022015). Collection method: clinical testing. Allele origin: germline.

GeneDx
Classification: Likely benign. Last evaluated: 2017-04-05. Review status: criteria provided, single submitter. Criteria: GeneDx Variant Classification (06012015). Collection method: clinical testing. Allele origin: germline. Affected: yes.
Comment: This variant is considered likely benign or benign based on one or more of the following criteria: it is a conservative change, it occurs at a poorly conserved position in the protein, it is predicted to be benign by multiple in silico algorithms, and/or has population frequency not consistent with disease.

NM_000257.4(MYH7):c.1257+17A>G

Gene: MYH7 (myosin heavy chain 7; minus strand). Cytogenetic location: 14q11.2.
Variant type: single nucleotide variant.
Coding change: c.1257+17A>G on transcript NM_000257.4 (MANE Select); 17 bases into the intron after coding-DNA position 1257, A replaced by G.
Molecular consequence: intron variant.
Genome position (GRCh38, 1-based): chr14:23,429,212, T>C on the plus strand (A>G on the coding strand, the complement: MYH7 is on the minus strand). VCF-style: chr14-23429212-T-C. GRCh37 (hg19) VCF-style: chr14-23898421-T-C.
Other names: c.1257+17A>G (LRG_384t1).
Identifiers: ClinVar variation 517832 (VCV000517832.8), dbSNP rs1555338358, ClinGen allele CA658798175.